The following is an entry in ClinVar:

ClinVar aggregate classification (germline): Uncertain significance. Review status: criteria provided, multiple submitters, no conflicts (2 of 4 stars). 2 submissions from 2 submitters: Uncertain significance (2). Last evaluated 2025-09-14.

Conditions:
Hereditary cancer-predisposing syndrome. Also called: Hereditary neoplastic syndrome; Hereditary Cancer Syndrome; Neoplastic Syndromes, Hereditary; Tumor predisposition. Identifiers: Orphanet 140162, MedGen C0027672, MeSH D009386, MONDO:0015356.
Juvenile polyposis syndrome (JPS). Identifiers: Orphanet 2929, MedGen C0345893, MONDO:0017380, OMIM 174900.

Submissions (2):

Color Diagnostics, LLC DBA Color Health
Classification: Uncertain significance for Hereditary cancer-predisposing syndrome. Last evaluated: 2025-09-14. Review status: criteria provided, single submitter. Criteria: ACMG Guidelines, 2015. Collection method: clinical testing. Allele origin: germline.
Comment: This missense variant replaces leucine with phenylalanine at codon 56 of the BMPR1A protein. Computational prediction suggests that this variant may not impact protein structure and function. To our knowledge, functional studies have not been reported for this variant. This variant has not been reported in individuals affected with BMPR1A-related disorders in the literature. This variant has not been identified in the general population by the Genome Aggregation Database (gnomAD). The available evidence is insufficient to determine the role of this variant in disease conclusively. Therefore, this variant is classified as a Variant of Uncertain Significance.

Labcorp Genetics (formerly Invitae), Labcorp
Classification: Uncertain significance for Juvenile polyposis syndrome. Last evaluated: 2023-05-12. Review status: criteria provided, single submitter. Criteria: Invitae Variant Classification Sherloc (09022015). Collection method: clinical testing. Allele origin: germline.
Comment: This variant is not present in population databases (gnomAD no frequency). This variant has not been reported in the literature in individuals affected with BMPR1A-related conditions. Advanced modeling of protein sequence and biophysical properties (such as structural, functional, and spatial information, amino acid conservation, physicochemical variation, residue mobility, and thermodynamic stability) performed at Invitae indicates that this missense variant is not expected to disrupt BMPR1A protein function. In summary, the available evidence is currently insufficient to determine the role of this variant in disease. Therefore, it has been classified as a Variant of Uncertain Significance. This sequence change replaces leucine, which is neutral and non-polar, with phenylalanine, which is neutral and non-polar, at codon 56 of the BMPR1A protein (p.Leu56Phe).

NM_004329.3(BMPR1A):c.168G>T (p.Leu56Phe)

Gene: BMPR1A (bone morphogenetic protein receptor type 1A; plus strand). Cytogenetic location: 10q23.2.
Variant type: single nucleotide variant.
Coding change: c.168G>T on transcript NM_004329.3 (MANE Select); coding-DNA position 168, G replaced by T.
Protein change: p.Leu56Phe; replaces leucine 56 with phenylalanine.
Molecular consequence: missense variant. On other transcripts: non-coding transcript variant (3).
Genome position (GRCh38, 1-based): chr10:86,890,162, G>T. VCF-style: chr10-86890162-G-T. GRCh37 (hg19) VCF-style: chr10-88649919-G-T.
Other names: c.168G>T, p.Leu56Phe (NM_001406563.1, NM_001406564.1, NM_001406565.1 and 23 more transcripts); c.84G>T, p.Leu28Phe (NM_001406584.1, NM_001406585.1, NM_001406586.1 and 2 more transcripts); short protein forms L28F, L56F.
Identifiers: ClinVar variation 2863668 (VCV002863668.4), dbSNP rs1589763414, ClinGen allele CA377446808.